The following is an entry in ClinVar:

ClinVar aggregate classification (germline): Pathogenic (1 of 4 stars; one submission).

Submission:

Labcorp Genetics (formerly Invitae), Labcorp
Classification: Pathogenic. Last evaluated: 2020-02-22. Review status: criteria provided, single submitter. Criteria: Invitae Variant Classification Sherloc (09022015). Collection method: clinical testing. Allele origin: germline.
Comment: For these reasons, this variant has been classified as Pathogenic. This sequence change creates a premature translational stop signal (p.Gln1302*) in the COL4A5 gene. It is expected to result in an absent or disrupted protein product. This variant is not present in population databases (ExAC no frequency). This variant has been observed in individual(s) with Alport syndrome (PMID: 10684360). Loss-of-function variants in COL4A5 are known to be pathogenic (PMID: 9195222, 10752524, 14514738, 24854265, 26809805).

Literature cited by the submitters: PubMed 10684360; PubMed 9195222; PubMed 10752524; PubMed 14514738; PubMed 24854265; PubMed 26809805.

NM_033380.3(COL4A5):c.3922C>T (p.Gln1308Ter)

Gene: COL4A5 (collagen type IV alpha 5 chain; plus strand). Cytogenetic location: Xq22.3.
Variant type: single nucleotide variant.
Coding change: c.3922C>T on transcript NM_033380.3 (MANE Select); coding-DNA position 3922, C replaced by T.
Protein change: p.Gln1308Ter; replaces glutamine 1308 with a stop codon.
Molecular consequence: nonsense.
Genome position (GRCh38, 1-based): chrX:108,677,613, C>T. VCF-style: chrX-108677613-C-T. GRCh37 (hg19) VCF-style: chrX-107920843-C-T.
Other names: c.3904C>T, p.Gln1302Ter (NM_000495.5); short protein forms Q1302*, Q1308*.
Identifiers: ClinVar variation 1070191 (VCV001070191.9), dbSNP rs2147975083, ClinGen allele CA413850885.
Genomic context (GRCh38, chrX:108,677,613, plus strand): 5'-GGAGAGAAGGGAAATCCAGGCCAACCTGGGCTACCTGGCTTGCCTGGTTTGAAAGGAGAT[C>T]AAGGACCACCAGGACTCCAGGTAGGAAATGGAAGTAGATATCTGATGAGAGAAGAATGTG-3'